The following is an entry in ClinVar:

NM_024675.4(PALB2):c.1337A>G (p.Asp446Gly)

Gene: PALB2 (partner and localizer of BRCA2; minus strand). Cytogenetic location: 16p12.2.
Variant type: single nucleotide variant.
Coding change: c.1337A>G on transcript NM_024675.4 (MANE Select); coding-DNA position 1337, A replaced by G.
Protein change: p.Asp446Gly; replaces aspartic acid 446 with glycine.
Molecular consequence: missense variant.
Genome position (GRCh38, 1-based): chr16:23,635,209, T>C on the plus strand (A>G on the coding strand, the complement: PALB2 is on the minus strand). VCF-style: chr16-23635209-T-C. GRCh37 (hg19) VCF-style: chr16-23646530-T-C.
Other names: short protein forms D446G.
Identifiers: ClinVar variation 419431 (VCV000419431.17), dbSNP rs146434474, ClinGen allele CA7963717.

ClinVar aggregate classification (germline): Conflicting classifications of pathogenicity. Review status: criteria provided, conflicting classifications (1 of 4 stars). 4 submissions from 4 submitters: Uncertain significance (3); Likely benign (1). Last evaluated 2025-12-02.

Conditions:
Hereditary cancer-predisposing syndrome. Also called: Hereditary neoplastic syndrome; Tumor predisposition; Neoplastic Syndromes, Hereditary; Hereditary Cancer Syndrome. Identifiers: Orphanet 140162, MedGen C0027672, MeSH D009386, MONDO:0015356.
Familial cancer of breast. Also called: Hereditary breast cancer; BREAST CANCER, FAMILIAL; hereditary breast carcinoma. Identifiers: Orphanet 227535, MedGen C0346153, MONDO:0016419, OMIM 114480. Disease mechanism: loss of function.

Submissions (4):

Labcorp Genetics (formerly Invitae), Labcorp
Classification: Uncertain significance for Familial cancer of breast. Last evaluated: 2025-12-02. Review status: criteria provided, single submitter. Criteria: Invitae Variant Classification Sherloc (09022015). Collection method: clinical testing. Allele origin: germline.
Comment: This sequence change replaces aspartic acid, which is acidic and polar, with glycine, which is neutral and non-polar, at codon 446 of the PALB2 protein (p.Asp446Gly). This variant is present in population databases (rs146434474, gnomAD 0.01%). This missense change has been observed in individual(s) with clinical features of PALB2-related conditions (PMID: 35171259). ClinVar contains an entry for this variant (Variation ID: 419431). Invitae Evidence Modeling of protein sequence and biophysical properties (such as structural, functional, and spatial information, amino acid conservation, physicochemical variation, residue mobility, and thermodynamic stability) indicates that this missense variant is not expected to disrupt PALB2 protein function with a negative predictive value of 80%. In summary, the available evidence is currently insufficient to determine the role of this variant in disease. Therefore, it has been classified as a Variant of Uncertain Significance.

Quest Diagnostics Nichols Institute San Juan Capistrano
Classification: Uncertain significance. Last evaluated: 2025-10-30. Review status: criteria provided, single submitter. Criteria: Quest Diagnostics criteria. Collection method: clinical testing. Allele origin: unknown.
Comment: The PALB2 c.1337A>G (p.Asp446Gly) variant has been reported in the published literature in an individual with pancreatic cancer (PMID: 35171259 (2022)). The frequency of this variant in the general population (Genome Aggregation Database) is uninformative in the assessment of its pathogenicity. Analysis of this variant using bioinformatics tools for the prediction of the effect of amino acid changes on protein structure and function yielded predictions that this variant is benign. Based on the available information, we are unable to determine the clinical significance of this variant.

GeneDx
Classification: Uncertain significance. Last evaluated: 2024-04-26. Review status: criteria provided, single submitter. Criteria: GeneDx Variant Classification Process June 2021. Collection method: clinical testing. Allele origin: germline. Affected: yes.
Comment: Not observed at significant frequency in large population cohorts (gnomAD); In silico analysis indicates that this missense variant does not alter protein structure/function; Observed in an individual with pancreatic ductal adenocarcinoma (PMID: 35171259); This variant is associated with the following publications: (PMID: 35171259, 22193777)

Ambry Genetics
Classification: Likely benign for Hereditary cancer-predisposing syndrome. Last evaluated: 2024-03-21. Review status: criteria provided, single submitter. Criteria: Ambry Variant Classification Scheme 2023. Collection method: clinical testing. Allele origin: germline.

Literature cited by the submitters: PubMed 35171259 (cited by 3 submitters).